The following is an entry in ClinVar:

NM_005515.4(MNX1):c.306_326del (p.Gly103_Gly109del)

Gene: MNX1 (motor neuron and pancreas homeobox 1; minus strand). Cytogenetic location: 7q36.3.
Variant type: Deletion.
Coding change: c.306_326del on transcript NM_005515.4 (MANE Select); coding-DNA positions 306 to 326, 21 bases deleted (CGGCGGCGGCACGGGCGGCGG).
Protein change: p.Gly103_Gly109del.
Molecular consequence: inframe deletion.
Genome position (GRCh38, 1-based): chr7:157,010,025-157,010,045, CCGCCGCCCGTGCCGCCGCCG deleted on the plus strand (CGGCGGCGGCACGGGCGGCGG on the coding strand, the reverse complement: MNX1 is on the minus strand); deleting any 21 consecutive bases within chr7:157,010,025-157,010,055 gives the same sequence; the c. name uses the placement nearest the transcript's 3' end. VCF-style (leftmost placement, unchanged base first): chr7-157010024-CCCGCCGCCCGTGCCGCCGCCG-C. GRCh37 (hg19) VCF-style: chr7-156802718-CCCGCCGCCCGTGCCGCCGCCG-C.
Identifiers: ClinVar variation 1964479 (VCV001964479.5), dbSNP rs1805683428, ClinGen allele CA913124454.

ClinVar aggregate classification (germline): Uncertain significance (1 of 4 stars; one submission).

Submission:

Labcorp Genetics (formerly Invitae), Labcorp
Classification: Uncertain significance. Last evaluated: 2022-07-09. Review status: criteria provided, single submitter. Criteria: Invitae Variant Classification Sherloc (09022015). Collection method: clinical testing. Allele origin: germline.
Comment: This variant, c.306_326del, results in the deletion of 7 amino acid(s) of the MNX1 protein (p.Gly103_Gly109del), but otherwise preserves the integrity of the reading frame. In summary, the available evidence is currently insufficient to determine the role of this variant in disease. Therefore, it has been classified as a Variant of Uncertain Significance. Experimental studies and prediction algorithms are not available or were not evaluated, and the functional significance of this variant is currently unknown. This variant has not been reported in the literature in individuals affected with MNX1-related conditions. The frequency data for this variant in the population databases is considered unreliable, as metrics indicate insufficient coverage at this position in the gnomAD database.